The following is an entry in ClinVar:

ClinVar aggregate classification (germline): Likely pathogenic (1 of 4 stars; one submission).

Submission:

Labcorp Genetics (formerly Invitae), Labcorp
Classification: Likely pathogenic. Last evaluated: 2018-10-25. Review status: criteria provided, single submitter. Criteria: Invitae Variant Classification Sherloc (09022015). Collection method: clinical testing. Allele origin: germline.
Comment: In summary, the currently available evidence indicates that the variant is pathogenic, but additional data are needed to prove that conclusively. Therefore, this variant has been classified as Likely Pathogenic. Donor and acceptor splice site variants typically lead to a loss of protein function (PMID: 16199547), and loss-of-function variants in CPOX are known to be pathogenic (PMID: 9888388). Algorithms developed to predict the effect of sequence changes on RNA splicing suggest that this variant may disrupt the consensus splice site, but this prediction has not been confirmed by published transcriptional studies. This variant has not been reported in the literature in individuals with CPOX-related disease. This variant is not present in population databases (ExAC no frequency). This sequence change affects a donor splice site in intron 2 of the CPOX gene. It is expected to disrupt RNA splicing and likely results in an absent or disrupted protein product.

Literature cited by the submitters: PubMed 16199547; PubMed 9888388.

NM_000097.7(CPOX):c.700+2T>G

Gene: CPOX (coproporphyrinogen oxidase; minus strand). Cytogenetic location: 3q11.2.
Variant type: single nucleotide variant.
Coding change: c.700+2T>G on transcript NM_000097.7 (MANE Select); the canonical splice donor site of the intron after coding-DNA position 700, T replaced by G.
Molecular consequence: splice donor variant.
Genome position (GRCh38, 1-based): chr3:98,591,010, A>C on the plus strand (T>G on the coding strand, the complement: CPOX is on the minus strand). VCF-style: chr3-98591010-A-C. GRCh37 (hg19) VCF-style: chr3-98309854-A-C.
Identifiers: ClinVar variation 658455 (VCV000658455.6), dbSNP rs1576304776, ClinGen allele CA353645882.
Genomic context (GRCh38, chr3:98,591,010, plus strand): 5'-AACTTGTGGGCAAAATAAGGTTTGCAGGGACTATTAGAGACTATCAAGACTGTCTGATTT[A>C]CCATCTTTAGTCTTCAGAACTTTTCCTCTGCTTCTCATTTGTTTTGCAGCTTCCTCTGAA-3'